The following is an entry in ClinVar:

NM_030665.4(RAI1):c.817C>T (p.Arg273Cys)

Gene: RAI1 (retinoic acid induced 1; plus strand). Cytogenetic location: 17p11.2.
Variant type: single nucleotide variant.
Coding change: c.817C>T on transcript NM_030665.4 (MANE Select); coding-DNA position 817, C replaced by T.
Protein change: p.Arg273Cys; replaces arginine 273 with cysteine.
Molecular consequence: missense variant.
Genome position (GRCh38, 1-based): chr17:17,793,765, C>T. VCF-style: chr17-17793765-C-T. GRCh37 (hg19) VCF-style: chr17-17697079-C-T.
Other names: c.817C>T (NM_030665.3); short protein forms R273C.
Identifiers: ClinVar variation 1568523 (VCV001568523.11), dbSNP rs758637644, ClinGen allele CA8418205.

ClinVar aggregate classification (germline): Conflicting classifications of pathogenicity. Review status: criteria provided, conflicting classifications (1 of 4 stars). 4 submissions from 4 submitters: Uncertain significance (1); Likely benign (2). 1 of the submissions does not count toward it. Last evaluated 2025-08-04.

Conditions:
RAI1-related disorder. Also called: RAI1-related condition.
Inborn genetic diseases. Identifiers: MedGen C0950123, MeSH D030342.
Smith-Magenis syndrome (SMS). Also called: CHROMOSOME 17p11.2 DELETION SYNDROME. Identifiers: Orphanet 819, MedGen C0795864, MONDO:0008434, OMIM 182290.

Allele frequency attached by ClinVar (database versions not stated): gnomAD exomes 0.00001; ExAC 0.00002; TOPMed 0.00002; gnomAD 0.00003.
gnomAD v4.1: 14 of 1,608,932 alleles (0.00087%); highest among the groups gnomAD compares: Middle Eastern, 0.016%; no homozygotes.

Submissions (4):

Labcorp Genetics (formerly Invitae), Labcorp
Classification: Likely benign. Last evaluated: 2025-08-04. Review status: criteria provided, single submitter. Criteria: Invitae Variant Classification Sherloc (09022015). Collection method: clinical testing. Allele origin: germline.

Ambry Genetics
Classification: Likely benign for Inborn genetic diseases. Last evaluated: 2024-08-21. Review status: criteria provided, single submitter. Criteria: Ambry Variant Classification Scheme 2023. Collection method: clinical testing. Allele origin: germline.

New York Genome Center
Classification: Uncertain significance for Smith-Magenis syndrome. Last evaluated: 2021-08-20. Review status: criteria provided, single submitter. Criteria: NYGC Assertion Criteria 2020. Collection method: clinical testing. Allele origin: inherited. Observed: 1 heterozygote. Study: CSER-NYCKidSeq.

PreventionGenetics, part of Exact Sciences
Classification: Uncertain significance for RAI1-related condition. Last evaluated: 2024-08-05. Review status: no assertion criteria provided. Collection method: clinical testing. Allele origin: germline. Not counted in ClinVar's aggregate classification.
Comment: The RAI1 c.817C>T variant is predicted to result in the amino acid substitution p.Arg273Cys. To our knowledge, this variant has not been reported in the literature. This variant is reported in 0.014% of alleles in individuals of African descent in gnomAD, which may be too common to be a primary cause of disease. Although we suspect that this variant may be benign, at this time, the clinical significance of this variant is uncertain due to the absence of conclusive functional and genetic evidence.